The following is an entry in ClinVar:

ClinVar aggregate classification (germline): Uncertain significance. Review status: criteria provided, multiple submitters, no conflicts (2 of 4 stars). 2 submissions from 2 submitters: Uncertain significance (2). Last evaluated 2025-10-02.

Conditions:
Renal cell carcinoma. Identifiers: Orphanet 217071, MedGen C0007134, MeSH D002292, MONDO:0005086, HP:0005584.
Hereditary cancer-predisposing syndrome. Also called: Tumor predisposition; Hereditary Cancer Syndrome; Hereditary neoplastic syndrome; Neoplastic Syndromes, Hereditary. Identifiers: Orphanet 140162, MedGen C0027672, MeSH D009386, MONDO:0015356.

Allele frequency attached by ClinVar (database versions not stated): ExAC 0.00001; gnomAD exomes 0.00001.
gnomAD v4.1: 3 of 1,614,180 alleles (0.00019%); highest among the groups gnomAD compares: South Asian, 0.0033%; no homozygotes.

Submissions (2):

Labcorp Genetics (formerly Invitae), Labcorp
Classification: Uncertain significance for Renal cell carcinoma. Last evaluated: 2025-10-02. Review status: criteria provided, single submitter. Criteria: Invitae Variant Classification Sherloc (09022015). Collection method: clinical testing. Allele origin: germline.
Comment: This sequence change replaces leucine, which is neutral and non-polar, with methionine, which is neutral and non-polar, at codon 518 of the MET protein (p.Leu518Met). This variant is present in population databases (rs780293990, gnomAD 0.006%). This variant has not been reported in the literature in individuals affected with MET-related conditions. ClinVar contains an entry for this variant (Variation ID: 485773). Invitae Evidence Modeling of protein sequence and biophysical properties (such as structural, functional, and spatial information, amino acid conservation, physicochemical variation, residue mobility, and thermodynamic stability) has been performed for this missense variant. However, the output from this modeling did not meet the statistical confidence thresholds required to predict the impact of this variant on MET protein function. In summary, the available evidence is currently insufficient to determine the role of this variant in disease. Therefore, it has been classified as a Variant of Uncertain Significance.

Ambry Genetics
Classification: Uncertain significance for Hereditary cancer-predisposing syndrome. Last evaluated: 2024-01-16. Review status: criteria provided, single submitter. Criteria: Ambry Variant Classification Scheme 2023. Collection method: clinical testing. Allele origin: germline.
Comment: The p.L518M variant (also known as c.1552T>A), located in coding exon 4 of the MET gene, results from a T to A substitution at nucleotide position 1552. The leucine at codon 518 is replaced by methionine, an amino acid with highly similar properties. This amino acid position is well conserved in available vertebrate species. In addition, this alteration is predicted to be tolerated by in silico analysis. Since supporting evidence is limited at this time, the clinical significance of this alteration remains unclear.

NM_000245.4(MET):c.1552T>A (p.Leu518Met)

Gene: MET (MET proto-oncogene, receptor tyrosine kinase; plus strand). Cytogenetic location: 7q31.2.
Variant type: single nucleotide variant.
Coding change: c.1552T>A on transcript NM_000245.4 (MANE Select); coding-DNA position 1552, T replaced by A.
Protein change: p.Leu518Met; replaces leucine 518 with methionine.
Molecular consequence: missense variant.
Genome position (GRCh38, 1-based): chr7:116,740,876, T>A. VCF-style: chr7-116740876-T-A. GRCh37 (hg19) VCF-style: chr7-116380930-T-A.
Other names: c.1552T>A, p.Leu518Met (NM_001127500.3, NM_001324401.3); c.262T>A, p.Leu88Met (NM_001324402.2); short protein forms L518M, L88M.
Identifiers: ClinVar variation 485773 (VCV000485773.11), dbSNP rs780293990, ClinGen allele CA4448202.